The following is an entry in ClinVar:

ClinVar aggregate classification (germline): Uncertain significance (1 of 4 stars; one submission).

Conditions:
Emery-Dreifuss muscular dystrophy (EDMD). Also called: Scapuloperoneal syndrome, X-linked (formerly); Humeroperoneal neuromuscular disease, (formerly). Identifiers: Orphanet 261, MedGen C0410189, MONDO:0016830.

gnomAD v4.1: 36 of 1,613,288 alleles (0.0022%); highest among the groups gnomAD compares: East Asian, 0.047%; 1 homozygote.

Submission:

Labcorp Genetics (formerly Invitae), Labcorp
Classification: Uncertain significance for Emery-Dreifuss muscular dystrophy. Last evaluated: 2025-07-31. Review status: criteria provided, single submitter. Criteria: Invitae Variant Classification Sherloc (09022015). Collection method: clinical testing. Allele origin: germline.
Comment: This sequence change replaces valine, which is neutral and non-polar, with methionine, which is neutral and non-polar, at codon 473 of the SUN2 protein (p.Val473Met). This variant is present in population databases (rs200401658, gnomAD 0.05%). This variant has not been reported in the literature in individuals affected with SUN2-related conditions. ClinVar contains an entry for this variant (Variation ID: 3693792). An algorithm developed to predict the effect of missense changes on protein structure and function (PolyPhen-2) suggests that this variant is likely to be tolerated. In summary, the available evidence is currently insufficient to determine the role of this variant in disease. Therefore, it has been classified as a Variant of Uncertain Significance.

NM_015374.3(SUN2):c.1417G>A (p.Val473Met)

Genes: GTPBP1 (GTP binding protein 1; plus strand), SUN2 (Sad1 and UNC84 domain containing 2; minus strand). Cytogenetic location: 22q13.1.
Variant type: single nucleotide variant.
Coding change: c.1417G>A on transcript NM_015374.3 (MANE Select); coding-DNA position 1417, G replaced by A.
Protein change: p.Val473Met; replaces valine 473 with methionine.
Molecular consequence: missense variant.
Genome position (GRCh38, 1-based): chr22:38,739,883, C>T on the plus strand (G>A on the coding strand, the complement: SUN2 is on the minus strand). VCF-style: chr22-38739883-C-T. GRCh37 (hg19) VCF-style: chr22-39135888-C-T.
Other names: c.1480G>A, p.Val494Met (NM_001199579.2, NM_001394428.1); c.1417G>A, p.Val473Met (NM_001199580.2, NM_001394431.1, NM_001394432.1 and 5 more transcripts); c.1510G>A, p.Val504Met (NM_001394427.1); c.1462G>A, p.Val488Met (NM_001394429.1, NM_001394430.1); c.1327G>A, p.Val443Met (NM_001394438.1); c.1279G>A, p.Val427Met (NM_001394439.1, NM_001394440.1, NM_001394441.1); c.1018G>A, p.Val340Met (NM_001394442.1); c.925G>A, p.Val309Met (NM_001394443.1); and 1 more; short protein forms V281M, V309M, V473M, V488M, V494M, V443M, V427M, V504M.
Identifiers: ClinVar variation 3693792 (VCV003693792.2).